The following is an entry in ClinVar:

ClinVar aggregate classification (germline): Uncertain significance. Review status: criteria provided, multiple submitters, no conflicts (2 of 4 stars). 2 submissions from 2 submitters: Uncertain significance (2). Last evaluated 2025-09-16.

Conditions:
Inborn genetic diseases. Identifiers: MedGen C0950123, MeSH D030342.

Allele frequency attached by ClinVar (database versions not stated): gnomAD 0.00001; TOPMed 0.00001.
gnomAD v4.1: 2 of 1,614,048 alleles (0.00012%); highest among the groups gnomAD compares: African/African-American, 0.0027%; no homozygotes.

Submissions (2):

Ambry Genetics
Classification: Uncertain significance for Inborn genetic diseases. Last evaluated: 2025-09-16. Review status: criteria provided, single submitter. Criteria: Ambry Variant Classification Scheme 2023. Collection method: clinical testing. Allele origin: germline.
Comment: The c.434+3A>G intronic variant results from an A to G substitution 3 nucleotides after coding exon 5 in the DDX41 gene. This nucleotide position is not well conserved in available vertebrate species. In silico splice site analysis predicts that this alteration will not have any significant effect on splicing. Based on the available evidence, the clinical significance of this variant remains unclear.

Labcorp Genetics (formerly Invitae), Labcorp
Classification: Uncertain significance. Last evaluated: 2023-06-21. Review status: criteria provided, single submitter. Criteria: Invitae Variant Classification Sherloc (09022015). Collection method: clinical testing. Allele origin: germline.
Comment: In summary, the available evidence is currently insufficient to determine the role of this variant in disease. Therefore, it has been classified as a Variant of Uncertain Significance. Variants that disrupt the consensus splice site are a relatively common cause of aberrant splicing (PMID: 17576681, 9536098). Algorithms developed to predict the effect of sequence changes on RNA splicing suggest that this variant is not likely to affect RNA splicing. This variant has not been reported in the literature in individuals affected with DDX41-related conditions. This variant is present in population databases (no rsID available, gnomAD 0.01%). This sequence change falls in intron 5 of the DDX41 gene. It does not directly change the encoded amino acid sequence of the DDX41 protein. It affects a nucleotide within the consensus splice site.

Literature cited by the submitters: PubMed 17576681 (cited by Labcorp Genetics (formerly Invitae), Labcorp); PubMed 9536098 (cited by Labcorp Genetics (formerly Invitae), Labcorp).

NM_016222.4(DDX41):c.434+3A>G

Gene: DDX41 (DEAD-box helicase 41; minus strand). Cytogenetic location: 5q35.3.
Variant type: single nucleotide variant.
Coding change: c.434+3A>G on transcript NM_016222.4 (MANE Select); 3 bases into the intron after coding-DNA position 434, A replaced by G.
Molecular consequence: intron variant.
Genome position (GRCh38, 1-based): chr5:177,515,926, T>C on the plus strand (A>G on the coding strand, the complement: DDX41 is on the minus strand). VCF-style: chr5-177515926-T-C. GRCh37 (hg19) VCF-style: chr5-176942927-T-C.
Other names: c.56+3A>G (NM_001321830.2, NM_001321732.2); c.434+3A>G (NM_016222.2).
Identifiers: ClinVar variation 2987652 (VCV002987652.4), dbSNP rs1243762429, ClinGen allele CA564900928.